The following is an entry in ClinVar:

ClinVar aggregate classification (germline): Pathogenic (1 of 4 stars; one submission).

Conditions:
Sandhoff disease. Also called: Beta-hexosaminidase-beta-subunit deficiency; GM2 gangliosidosis, type 2; Total hexosaminidase deficiency; Sandhoff-Jatzkewitz-Pilz disease; GM2-GANGLIOSIDOSIS, TYPE II; HEXOSAMINIDASES A AND B DEFICIENCY. Identifiers: Orphanet 796, MedGen C0036161, MONDO:0010006, OMIM 268800.

Submission:

Labcorp Genetics (formerly Invitae), Labcorp
Classification: Pathogenic for Sandhoff disease. Last evaluated: 2020-05-30. Review status: criteria provided, single submitter. Criteria: Invitae Variant Classification Sherloc (09022015). Collection method: clinical testing. Allele origin: germline.
Comment: This variant has not been reported in the literature in individuals with HEXB-related conditions. This variant is not present in population databases (ExAC no frequency). Loss-of-function variants in HEXB are known to be pathogenic (PMID: 7550345, 18758829). For these reasons, this variant has been classified as Pathogenic. This sequence change creates a premature translational stop signal (p.Glu339Aspfs*2) in the HEXB gene. It is expected to result in an absent or disrupted protein product.

Literature cited by the submitters: PubMed 7550345; PubMed 18758829.

NM_000521.4(HEXB):c.1017_1018del (p.Glu339fs)

Gene: HEXB (hexosaminidase subunit beta; plus strand). Cytogenetic location: 5q13.3.
Variant type: Deletion.
Coding change: c.1017_1018del on transcript NM_000521.4 (MANE Select); coding-DNA positions 1017 to 1018, 2 bases deleted (AA; older notation c.1017_1018delAA).
Protein change: p.Glu339fs; shifts the reading frame from glutamic acid 339.
Molecular consequence: frameshift variant.
Genome position (GRCh38, 1-based): chr5:74,715,625-74,715,626, AA deleted; deleting any 2 consecutive bases within chr5:74,715,624-74,715,626 gives the same sequence; the c. name uses the placement nearest the transcript's 3' end. VCF-style (leftmost placement, unchanged base first): chr5-74715623-GAA-G. GRCh37 (hg19) VCF-style: chr5-74011448-GAA-G.
Other names: c.342_343del, p.Glu114fs (NM_001292004.2); short protein forms E114fs, E339fs.
Identifiers: ClinVar variation 1070441 (VCV001070441.7), dbSNP rs2112175206, ClinGen allele CA2499217896.